The following is an entry in ClinVar:

ClinVar aggregate classification (germline): Likely benign. Review status: reviewed by expert panel (3 of 4 stars). 3 submissions from 3 submitters: Likely benign (1). 2 of the submissions do not count toward it. Last evaluated 2017-06-29.

Conditions:
Hereditary breast ovarian cancer syndrome. Also called: Hereditary breast and ovarian cancer syndrome (HBOC); Breast and ovarian cancer; Hereditary breast and ovarian cancer syndrome; Hereditary breast and ovarian cancer; BRCA1- and BRCA2-Associated Hereditary Breast and Ovarian Cancer; Hereditary breast and/or ovarian cancer syndrome. Identifiers: Orphanet 145, MedGen C0677776, MeSH D061325, MONDO:0003582. Disease mechanism: loss of function.
Hereditary cancer-predisposing syndrome. Also called: Hereditary Cancer Syndrome; Neoplastic Syndromes, Hereditary; Hereditary neoplastic syndrome; Tumor predisposition. Identifiers: Orphanet 140162, MedGen C0027672, MeSH D009386, MONDO:0015356.
Breast-ovarian cancer, familial, susceptibility to, 1 (BROVCA1). Also called: BRCA1 Hereditary Breast and Ovarian Cancer; OVARIAN CANCER, SUSCEPTIBILITY TO. Identifiers: Orphanet 145, MedGen C2676676, MONDO:0011450, OMIM 604370. Disease mechanism: loss of function.

Submissions (3):

Evidence-based Network for the Interpretation of Germline Mutant Alleles (ENIGMA)
Classification: Likely benign for Breast-ovarian cancer, familial, susceptibility to, 1. Last evaluated: 2017-06-29. Review status: reviewed by expert panel. Criteria: ENIGMA BRCA1/2 Classification Criteria (2017-06-29). Collection method: curation. Allele origin: germline.
Comment: Synonymous substitution variant, with low bioinformatic likelihood to result in a splicing aberration (Splicing prior probability 0.02).

Labcorp Genetics (formerly Invitae), Labcorp
Classification: Likely benign for Hereditary breast ovarian cancer syndrome. Last evaluated: 2026-01-25. Review status: criteria provided, single submitter. Criteria: Invitae Variant Classification Sherloc (09022015). Collection method: clinical testing. Allele origin: germline. Not counted in ClinVar's aggregate classification.

Ambry Genetics
Classification: Likely benign for Hereditary cancer-predisposing syndrome. Last evaluated: 2019-02-12. Review status: criteria provided, single submitter. Criteria: Ambry Variant Classification Scheme 2023. Collection method: clinical testing. Allele origin: germline. Not counted in ClinVar's aggregate classification.

NM_007294.4(BRCA1):c.4737T>C (p.Pro1579=)

Gene: BRCA1 (BRCA1 DNA repair associated; minus strand). Cytogenetic location: 17q21.31.
Variant type: single nucleotide variant.
Coding change: c.4737T>C on transcript NM_007294.4 (MANE Select); coding-DNA position 4737, T replaced by C.
Protein change: p.Pro1579=; no amino-acid change (proline 1579 retained).
Molecular consequence: synonymous variant. On other transcripts: intron variant (1).
Genome position (GRCh38, 1-based): chr17:43,071,177, A>G on the plus strand (T>C on the coding strand, the complement: BRCA1 is on the minus strand). VCF-style: chr17-43071177-A-G. GRCh37 (hg19) VCF-style: chr17-41223194-A-G.
Other names: c.4524T>C, p.Pro1508= (NM_001407571.1, NM_001407894.1, NM_001407895.1 and 12 more transcripts); c.4803T>C, p.Pro1601= (NM_001407581.1, NM_001407582.1); c.4800T>C, p.Pro1600= (NM_001407583.1, NM_001407585.1, NM_001407587.1 and 1 more transcripts); c.4797T>C, p.Pro1599= (NM_001407590.1, NM_001407591.1); c.4737T>C, p.Pro1579= (NM_001407593.1, NM_001407594.1, NM_001407596.1 and 8 more transcripts); c.4734T>C, p.Pro1578= (NM_001407610.1, NM_001407611.1, NM_001407612.1 and 17 more transcripts); c.4731T>C, p.Pro1577= (NM_001407627.1, NM_001407628.1, NM_001407629.1 and 14 more transcripts); c.4728T>C, p.Pro1576= (NM_001407644.1, NM_001407645.1); and 71 more.
Identifiers: ClinVar variation 240807 (VCV000240807.19), dbSNP rs878854954, ClinGen allele CA10583557.